The following is an entry in ClinVar:

ClinVar aggregate classification (germline): Uncertain significance (1 of 4 stars; one submission).

Allele frequency attached by ClinVar (database versions not stated): gnomAD exomes below 0.00001; TOPMed below 0.00001; ExAC 0.00001.
gnomAD v4.1: 1 of 1,614,110 alleles (0.000062%); highest among the groups gnomAD compares: Non-Finnish European, 0.000085%; no homozygotes.

Submission:

Labcorp Genetics (formerly Invitae), Labcorp
Classification: Uncertain significance. Last evaluated: 2021-01-06. Review status: criteria provided, single submitter. Criteria: Invitae Variant Classification Sherloc (09022015). Collection method: clinical testing. Allele origin: germline.
Comment: In summary, the available evidence is currently insufficient to determine the role of this variant in disease. Therefore, it has been classified as a Variant of Uncertain Significance. Nucleotide substitutions within the consensus splice site are a relatively common cause of aberrant splicing (PMID: 17576681, 9536098). Algorithms developed to predict the effect of sequence changes on RNA splicing suggest that this variant is not likely to affect RNA splicing, but this prediction has not been confirmed by published transcriptional studies. This variant has not been reported in the literature in individuals with FN1-related conditions. This variant is present in population databases (rs756403424, ExAC 0.001%). This sequence change falls in intron 16 of the FN1 gene. It does not directly change the encoded amino acid sequence of the FN1 protein. It affects a nucleotide within the consensus splice site of the intron.

Literature cited by the submitters: PubMed 17576681; PubMed 9536098.

NM_212482.4(FN1):c.2428+4C>T

Gene: FN1 (fibronectin 1; minus strand). Cytogenetic location: 2q35.
Variant type: single nucleotide variant.
Coding change: c.2428+4C>T on transcript NM_212482.4 (MANE Select); 4 bases into the intron after coding-DNA position 2428, C replaced by T.
Molecular consequence: intron variant.
Genome position (GRCh38, 1-based): chr2:215,408,294, G>A on the plus strand (C>T on the coding strand, the complement: FN1 is on the minus strand). VCF-style: chr2-215408294-G-A. GRCh37 (hg19) VCF-style: chr2-216273017-G-A.
Other names: c.2428+4C>T (NM_212474.3, NM_001306132.2, NM_001365523.2 and 13 more transcripts).
Identifiers: ClinVar variation 1427294 (VCV001427294.6), dbSNP rs756403424, ClinGen allele CA2094997.
Genomic context (GRCh38, chr2:215,408,294, plus strand): 5'-GTGCTACTACAGGCCTGTGTTTTACAGAAAAAGATTCTTTTAACACTATGTAGCACACAT[G>A]TACCTGTTGTTTGTGAAGTAGACAGGATCAAACTCTGCTCCCCATCCTCAGATATCTGAT-3'